The following is an entry in ClinVar:

NM_177438.3(DICER1):c.297G>A (p.Leu99=)

Gene: DICER1 (dicer 1, ribonuclease III; minus strand). Cytogenetic location: 14q32.13.
Variant type: single nucleotide variant.
Coding change: c.297G>A on transcript NM_177438.3 (MANE Select); coding-DNA position 297, G replaced by A.
Protein change: p.Leu99=; no amino-acid change (leucine 99 retained).
Molecular consequence: synonymous variant. On other transcripts: nonsense (7), 5 prime UTR variant (2), non-coding transcript variant (6).
Genome position (GRCh38, 1-based): chr14:95,132,525, C>T on the plus strand (G>A on the coding strand, the complement: DICER1 is on the minus strand). VCF-style: chr14-95132525-C-T. GRCh37 (hg19) VCF-style: chr14-95598862-C-T.
Other names: c.297G>A, p.Leu99= (NM_001291628.2, NM_001395677.1, NM_001395678.1 and 14 more transcripts); c.23G>A, p.Trp8Ter (NM_001395686.1, NM_001395687.1, NM_001395688.1 and 4 more transcripts); c.-162G>A (NM_001395691.1); c.-1272G>A (NM_001395697.1); short protein forms W8*.
Identifiers: ClinVar variation 4715578 (VCV004715578.2).
Genomic context (GRCh38, chr14:95,132,525, plus strand): 5'-AATCCCATCCAATTTCCCCTGCACAACTTGATAAAATAATTTTTTATTACCAGAGTTGAC[C>T]AAGAACACCGTCCTTTTTCCATTTCTGCTGAAGTCTCCCCTGATCTGATAGGACAGCTCT-3'
Protein context (NP_803187.1, residues 89-109): FSRNGKRTVF[Leu99=]VNSANQVAQQ

ClinVar aggregate classification (germline): Benign/Likely benign. Review status: criteria provided, multiple submitters, no conflicts (2 of 4 stars). 2 submissions from 2 submitters: Benign (1); Likely benign (1). Last evaluated 2026-04-15.

Conditions:
DICER1-related tumor predisposition. Also called: DICER1-related pleuropulmonary blastoma cancer predisposition syndrome; DICER1 syndrome. Identifiers: Orphanet 284343, MedGen C3839822, MONDO:0100216.

Submissions (2):

Myriad Genetics, Inc.
Classification: Benign for DICER1-related tumor predisposition. Last evaluated: 2026-04-15. Review status: criteria provided, single submitter. Criteria: Myriad Autosomal Dominant, Autosomal Recessive and X-Linked Classification Criteria (2023). Collection method: clinical testing. Allele origin: unknown.
Comment: This variant is considered benign. This variant is a silent/synonymous amino acid change and it is not expected to impact splicing.

Labcorp Genetics (formerly Invitae), Labcorp
Classification: Likely benign for DICER1-related tumor predisposition. Last evaluated: 2025-03-20. Review status: criteria provided, single submitter. Criteria: Invitae Variant Classification Sherloc (09022015). Collection method: clinical testing. Allele origin: germline.